The following is an entry in ClinVar:

NM_001122752.2(SERPINI1):c.838G>T (p.Ala280Ser)

Gene: SERPINI1 (serpin family I member 1; plus strand). Cytogenetic location: 3q26.1.
Variant type: single nucleotide variant.
Coding change: c.838G>T on transcript NM_001122752.2 (MANE Select); coding-DNA position 838, G replaced by T.
Protein change: p.Ala280Ser; replaces alanine 280 with serine.
Molecular consequence: missense variant.
Genome position (GRCh38, 1-based): chr3:167,794,781, G>T. VCF-style: chr3-167794781-G-T. GRCh37 (hg19) VCF-style: chr3-167512569-G-T.
Other names: c.838G>T, p.Ala280Ser (NM_005025.5); c.838G>T (NM_005025.4); short protein forms A280S.
Identifiers: ClinVar variation 1979070 (VCV001979070.5), dbSNP rs55872908, ClinGen allele CA355157250.

ClinVar aggregate classification (germline): Uncertain significance. Review status: criteria provided, multiple submitters, no conflicts (2 of 4 stars). 2 submissions from 2 submitters: Uncertain significance (2). Last evaluated 2025-04-25.

Conditions:
Familial encephalopathy with neuroserpin inclusion bodies. Also called: ENCEPHALOPATHY, FAMILIAL, WITH COLLINS BODIES. Identifiers: Orphanet 85110, MedGen C1858680, MONDO:0011412, OMIM 604218.

gnomAD v4.1: 27 of 1,613,558 alleles (0.0017%); highest among the groups gnomAD compares: Non-Finnish European, 0.0023%; no homozygotes.

Submissions (2):

Athena Diagnostics
Classification: Uncertain significance. Last evaluated: 2025-04-25. Review status: criteria provided, single submitter. Criteria: Athena Diagnostics Criteria. Collection method: clinical testing. Allele origin: unknown.
Comment: Available data are insufficient to determine the clinical significance of the variant at this time. This variant has not been reported in large, multi-ethnic general populations. Polyphen and MutationTaster predict this amino acid change may be damaging to the protein.

Labcorp Genetics (formerly Invitae), Labcorp
Classification: Uncertain significance for Familial encephalopathy with neuroserpin inclusion bodies. Last evaluated: 2023-08-24. Review status: criteria provided, single submitter. Criteria: Invitae Variant Classification Sherloc (09022015). Collection method: clinical testing. Allele origin: germline.
Comment: This sequence change replaces alanine, which is neutral and non-polar, with serine, which is neutral and polar, at codon 280 of the SERPINI1 protein (p.Ala280Ser). In summary, the available evidence is currently insufficient to determine the role of this variant in disease. Therefore, it has been classified as a Variant of Uncertain Significance. Advanced modeling of protein sequence and biophysical properties (such as structural, functional, and spatial information, amino acid conservation, physicochemical variation, residue mobility, and thermodynamic stability) performed at Invitae indicates that this missense variant is not expected to disrupt SERPINI1 protein function. ClinVar contains an entry for this variant (Variation ID: 1979070). This variant has not been reported in the literature in individuals affected with SERPINI1-related conditions. This variant is not present in population databases (gnomAD no frequency).